The following is an entry in ClinVar:

ClinVar aggregate classification (germline): Uncertain significance (1 of 4 stars; one submission).

Conditions:
Glycine encephalopathy. Also called: Nonketotic hyperglycinemia; Non-ketotic hyperglycinemia. Identifiers: Orphanet 407, MedGen C0751748, MONDO:0011612, HP:0008288.

Allele frequency attached by ClinVar (database versions not stated): gnomAD exomes below 0.00001; TOPMed below 0.00001.

Submission:

Labcorp Genetics (formerly Invitae), Labcorp
Classification: Uncertain significance for Glycine encephalopathy. Last evaluated: 2022-02-21. Review status: criteria provided, single submitter. Criteria: Invitae Variant Classification Sherloc (09022015). Collection method: clinical testing. Allele origin: germline.
Comment: This sequence change replaces glutamic acid, which is acidic and polar, with glycine, which is neutral and non-polar, at codon 405 of the GLDC protein (p.Glu405Gly). The frequency data for this variant in the population databases is considered unreliable, as metrics indicate poor data quality at this position in the gnomAD database. This variant has not been reported in the literature in individuals affected with GLDC-related conditions. Advanced modeling of protein sequence and biophysical properties (such as structural, functional, and spatial information, amino acid conservation, physicochemical variation, residue mobility, and thermodynamic stability) performed at Invitae indicates that this missense variant is not expected to disrupt GLDC protein function. In summary, the available evidence is currently insufficient to determine the role of this variant in disease. Therefore, it has been classified as a Variant of Uncertain Significance.

NM_000170.3(GLDC):c.1214A>G (p.Glu405Gly)

Gene: GLDC (glycine decarboxylase; minus strand). Cytogenetic location: 9p24.1.
Variant type: single nucleotide variant.
Coding change: c.1214A>G on transcript NM_000170.3 (MANE Select); coding-DNA position 1214, A replaced by G.
Protein change: p.Glu405Gly; replaces glutamic acid 405 with glycine.
Molecular consequence: missense variant.
Genome position (GRCh38, 1-based): chr9:6,595,061, T>C on the plus strand (A>G on the coding strand, the complement: GLDC is on the minus strand). VCF-style: chr9-6595061-T-C. GRCh37 (hg19) VCF-style: chr9-6595061-T-C.
Other names: short protein forms E405G.
Identifiers: ClinVar variation 1375768 (VCV001375768.3), dbSNP rs1387648444, ClinGen allele CA372894297.